The following is an entry in ClinVar:

NM_004738.5(VAPB):c.460T>A (p.Ser154Thr)

Gene: VAPB (VAMP associated protein B and C; plus strand). Cytogenetic location: 20q13.32.
Variant type: single nucleotide variant.
Coding change: c.460T>A on transcript NM_004738.5 (MANE Select); coding-DNA position 460, T replaced by A.
Protein change: p.Ser154Thr; replaces serine 154 with threonine.
Molecular consequence: missense variant. On other transcripts: non-coding transcript variant (1), intron variant (1).
Genome position (GRCh38, 1-based): chr20:58,440,970, T>A. VCF-style: chr20-58440970-T-A. GRCh37 (hg19) VCF-style: chr20-57016026-T-A.
Other names: c.212-3107T>A (NM_001195677.2); short protein forms S154T.
Identifiers: ClinVar variation 2946787 (VCV002946787.3), dbSNP rs2516065936, ClinGen allele CA409439638.
Genomic context (GRCh38, chr20:58,440,970, plus strand): 5'-GATGTAGAAATAAATAAAATTATATCCACAACTGCATCAAAGACAGAAACACCAATAGTG[T>A]CTAAGTCTCTGAGTTCTTCTTTGGATGACACCGAAGTTAAGAAGGTTATGGAAGAATGTA-3'
Protein context (NP_004729.1, residues 144-164): TASKTETPIV[Ser154Thr]KSLSSSLDDT

ClinVar aggregate classification (germline): Uncertain significance (1 of 4 stars; one submission).

Conditions:
Amyotrophic lateral sclerosis type 8 (ALS8). Identifiers: Orphanet 803, MedGen C1837728, MONDO:0012077, OMIM 608627.
Adult-onset proximal spinal muscular atrophy, autosomal dominant. Also called: FINKEL LATE-ADULT TYPE SMA; Spinal muscular atrophy, late-onset, finkel type. Identifiers: Orphanet 209335, MedGen C1854058, MONDO:0008453, OMIM 182980.

Submission:

Labcorp Genetics (formerly Invitae), Labcorp
Classification: Uncertain significance for Adult-onset proximal spinal muscular atrophy, autosomal dominant; Amyotrophic lateral sclerosis type 8. Last evaluated: 2025-10-02. Review status: criteria provided, single submitter. Criteria: Invitae Variant Classification Sherloc (09022015). Collection method: clinical testing. Allele origin: germline.
Comment: This sequence change replaces serine, which is neutral and polar, with threonine, which is neutral and polar, at codon 154 of the VAPB protein (p.Ser154Thr). This variant is not present in population databases (gnomAD no frequency). This variant has not been reported in the literature in individuals affected with VAPB-related conditions. ClinVar contains an entry for this variant (Variation ID: 2946787). Invitae Evidence Modeling of protein sequence and biophysical properties (such as structural, functional, and spatial information, amino acid conservation, physicochemical variation, residue mobility, and thermodynamic stability) indicates that this missense variant is not expected to disrupt VAPB protein function with a negative predictive value of 80%. In summary, the available evidence is currently insufficient to determine the role of this variant in disease. Therefore, it has been classified as a Variant of Uncertain Significance.